The following is an entry in ClinVar:

ClinVar aggregate classification (germline): Pathogenic. Review status: criteria provided, multiple submitters, no conflicts (2 of 4 stars). 2 submissions from 2 submitters: Pathogenic (2). Last evaluated 2026-07-09.

Conditions:
Familial adenomatous polyposis 1 (FAP1). Also called: POLYPOSIS, ADENOMATOUS INTESTINAL; FAMILIAL ADENOMATOUS POLYPOSIS 1, ATTENUATED. Identifiers: MedGen C2713442, MONDO:0021056, OMIM 175100. Disease mechanism: loss of function.
Hereditary cancer-predisposing syndrome. Also called: Neoplastic Syndromes, Hereditary; Tumor predisposition; Hereditary neoplastic syndrome; Hereditary Cancer Syndrome. Identifiers: Orphanet 140162, MedGen C0027672, MeSH D009386, MONDO:0015356.

Submissions (2):

Myriad Genetics, Inc.
Classification: Pathogenic for Familial adenomatous polyposis 1. Last evaluated: 2026-07-09. Review status: criteria provided, single submitter. Criteria: Myriad Autosomal Dominant, Autosomal Recessive and X-Linked Classification Criteria (2023). Collection method: clinical testing. Allele origin: unknown.
Comment: This variant is considered pathogenic. This variant creates a frameshift predicted to result in premature protein truncation.

Ambry Genetics
Classification: Pathogenic for Hereditary cancer-predisposing syndrome. Last evaluated: 2026-05-13. Review status: criteria provided, single submitter. Criteria: Ambry Variant Classification Scheme 2023. Collection method: clinical testing. Allele origin: germline.
Comment: The c.6051_6052delCCinsG pathogenic mutation, located in coding exon 15 of the APC gene, results from the deletion of two nucleotides and insertion of one nucleotide causing a translational frameshift with a predicted alternate stop codon (p.P2018Qfs*26). This variant occurs at the 3' terminus of the gene, is not expected to trigger nonsense-mediated mRNA decay, and impacts the last 29% of the protein. However, premature stop codons are typically deleterious in nature and a significant portion of the protein is affected (Ambry internal data). This variant is considered to be rare based on population cohorts in the Genome Aggregation Database (gnomAD). Based on the supporting evidence, this variant is interpreted as a disease-causing mutation.

NM_000038.6(APC):c.6051_6052delinsG (p.Pro2018fs)

Gene: APC (APC regulator of Wnt signaling pathway; plus strand). Cytogenetic location: 5q22.2.
Variant type: Indel.
Coding change: c.6051_6052delinsG on transcript NM_000038.6 (MANE Select); coding-DNA positions 6051 to 6052, CC replaced by G.
Protein change: p.Pro2018fs; shifts the reading frame from proline 2018.
Molecular consequence: frameshift variant. On other transcripts: non-coding transcript variant (2).
Genome position (GRCh38, 1-based): chr5:112,841,645-112,841,646, CC replaced by G. VCF-style: chr5-112841645-CC-G. GRCh37 (hg19) VCF-style: chr5-112177342-CC-G.
Other names: c.6051_6052delinsG, p.Pro2018fs (NM_001127510.3, NM_001354895.2, NM_001407450.1); c.5997_5998delinsG, p.Pro2000fs (NM_001127511.3); c.6105_6106delinsG, p.Pro2036fs (NM_001354896.2, NM_001407447.1, NM_001407448.1 and 1 more transcripts); c.6081_6082delinsG, p.Pro2028fs (NM_001354897.2); c.5976_5977delinsG, p.Pro1993fs (NM_001354898.2); c.5967_5968delinsG, p.Pro1990fs (NM_001354899.2); c.5928_5929delinsG, p.Pro1977fs (NM_001354900.2); c.5874_5875delinsG, p.Pro1959fs (NM_001354901.2, NM_001407453.1); and 11 more; short protein forms P1634fs, P1735fs, P1858fs, P1889fs, P1892fs, P1917fs, P1927fs, P1935fs.
Identifiers: ClinVar variation 4861625 (VCV004861625.2).